The following is an entry in ClinVar:

NM_000130.5(F5):c.*476C>T

Gene: F5 (coagulation factor V; minus strand). Cytogenetic location: 1q24.2.
Variant type: single nucleotide variant.
Coding change: c.*476C>T on transcript NM_000130.5 (MANE Select); 476 bases downstream of the stop codon, C replaced by T.
Molecular consequence: 3 prime UTR variant.
Genome position (GRCh38, 1-based): chr1:169,513,837, G>A on the plus strand (C>T on the coding strand, the complement: F5 is on the minus strand). VCF-style: chr1-169513837-G-A. GRCh37 (hg19) VCF-style: chr1-169483075-G-A.
Identifiers: ClinVar variation 293561 (VCV000293561.6), dbSNP rs72708017, ClinGen allele CA10608286.

ClinVar aggregate classification (germline): Likely benign. Review status: criteria provided, single submitter (1 of 4 stars). 3 submissions from 1 submitter: Likely benign (3). Last evaluated 2018-01-13.

Conditions:
Thrombophilia due to thrombin defect (THPH1). Also called: Thrombosis susceptibility; THROMBOPHILIA DUE TO FACTOR 2 DEFECT; Prothrombin-Related Thrombophilia (Factor II); Prothrombin Thrombophilia. Identifiers: MedGen C3160733, MONDO:0008559, OMIM 188050. Disease mechanism: gain of function, loss of function.
Factor V deficiency. Also called: Reduced coagulation factor V activity. Identifiers: Orphanet 326, MedGen C4317320, MONDO:0020586, HP:0003225.
Budd-Chiari syndrome (BDCHS). Also called: Hepatic vein obstruction. Identifiers: Orphanet 131, MedGen C0856761, MONDO:0010947, OMIM 600880, HP:0002639.

Allele frequency attached by ClinVar (database versions not stated): 1000 Genomes Project 0.00759; 1000 Genomes Project 30x 0.00781; gnomAD 0.01259; TOPMed 0.01306.
gnomAD v4.1: 1,973 of 152,026 alleles (1.3%); highest among the groups gnomAD compares: Non-Finnish European, 1.7%; 18 homozygotes.

Submissions (3):

Illumina Laboratory Services, Illumina
Classification: Likely benign for Venous thrombosis. Last evaluated: 2018-01-13. Review status: criteria provided, single submitter. Criteria: ICSL Variant Classification Criteria 13 December 2019. Collection method: clinical testing. Allele origin: germline.
Comment: This variant was observed in the ICSL laboratory as part of a predisposition screen in an ostensibly healthy population. It had not been previously curated by ICSL or reported in the Human Gene Mutation Database (HGMD: prior to June 1st, 2018), and was therefore a candidate for classification through an automated scoring system. Utilizing variant allele frequency, disease prevalence and penetrance estimates, and inheritance mode, an automated score was calculated to assess if this variant is too frequent to cause the disease. Based on the score and internal cut-off values, a variant classified as likely benign is not then subjected to further curation. The score for this variant resulted in a classification of likely benign for this disease.

Illumina Laboratory Services, Illumina
Classification: Likely benign for Congenital factor V deficiency. Last evaluated: 2018-01-13. Review status: criteria provided, single submitter. Criteria: ICSL Variant Classification Criteria 13 December 2019. Collection method: clinical testing. Allele origin: germline.
Comment: the same text as in the submission from Illumina Laboratory Services, Illumina above.

Illumina Laboratory Services, Illumina
Classification: Likely benign for Budd-Chiari syndrome. Last evaluated: 2018-01-13. Review status: criteria provided, single submitter. Criteria: ICSL Variant Classification Criteria 13 December 2019. Collection method: clinical testing. Allele origin: germline.
Comment: the same text as in the submission from Illumina Laboratory Services, Illumina above.